The following is an entry in ClinVar:

NM_024422.6(DSC2):c.1615A>G (p.Thr539Ala)

Gene: DSC2 (desmocollin 2; minus strand). Cytogenetic location: 18q12.1.
Variant type: single nucleotide variant.
Coding change: c.1615A>G on transcript NM_024422.6 (MANE Select); coding-DNA position 1615, A replaced by G.
Protein change: p.Thr539Ala; replaces threonine 539 with alanine.
Molecular consequence: missense variant.
Genome position (GRCh38, 1-based): chr18:31,079,895, T>C on the plus strand (A>G on the coding strand, the complement: DSC2 is on the minus strand). VCF-style: chr18-31079895-T-C. GRCh37 (hg19) VCF-style: chr18-28659861-T-C.
Other names: c.1186A>G, p.Thr396Ala (NM_001406506.1, NM_001406507.1); c.1615A>G, p.Thr539Ala (NM_004949.5); short protein forms T396A, T539A.
Identifiers: ClinVar variation 2804259 (VCV002804259.3), dbSNP rs776014286, ClinGen allele CA297636918.
Genomic context (GRCh38, chr18:31,079,895, plus strand): 5'-ACAAATTCTTACCTTGGTCTGATGCAAGGACTGTAATATTATATATGCCATTTTTGATGG[T>C]CTCTGCCTCTCTATCCAGGCTTCTGAAAACTTTGATTGATCCTGTATTTTCATCAATGGT-3'
Protein context (NP_077740.1, residues 529-549): VFRSLDREAE[Thr539Ala]IKNGIYNITV

ClinVar aggregate classification (germline): Uncertain significance (1 of 4 stars; one submission).

Conditions:
Arrhythmogenic right ventricular dysplasia 11. Also called: ARRHYTHMOGENIC RIGHT VENTRICULAR DYSPLASIA, FAMILIAL, 11; Arrhythmogenic Right Ventricular Dysplasia/Cardiomyopathy11; Arrhythmogenic right ventricular dysplasia 11 with mild palmoplantar keratoderma and woolly hair. Identifiers: MedGen C1864850, MONDO:0012506, OMIM 610476.

Submission:

Labcorp Genetics (formerly Invitae), Labcorp
Classification: Uncertain significance for Arrhythmogenic right ventricular dysplasia 11. Last evaluated: 2022-11-16. Review status: criteria provided, single submitter. Criteria: Invitae Variant Classification Sherloc (09022015). Collection method: clinical testing. Allele origin: germline.
Comment: In summary, the available evidence is currently insufficient to determine the role of this variant in disease. Therefore, it has been classified as a Variant of Uncertain Significance. Advanced modeling of protein sequence and biophysical properties (such as structural, functional, and spatial information, amino acid conservation, physicochemical variation, residue mobility, and thermodynamic stability) performed at Invitae indicates that this missense variant is not expected to disrupt DSC2 protein function. This variant has not been reported in the literature in individuals affected with DSC2-related conditions. This variant is not present in population databases (gnomAD no frequency). This sequence change replaces threonine, which is neutral and polar, with alanine, which is neutral and non-polar, at codon 539 of the DSC2 protein (p.Thr539Ala).